The following is an entry in ClinVar:

NM_000548.5(TSC2):c.1062G>A (p.Gln354=)

Gene: TSC2 (TSC complex subunit 2; plus strand). Cytogenetic location: 16p13.3.
Variant type: single nucleotide variant.
Coding change: c.1062G>A on transcript NM_000548.5 (MANE Select); coding-DNA position 1062, G replaced by A.
Protein change: p.Gln354=; no amino-acid change (glutamine 354 retained).
Molecular consequence: synonymous variant.
Genome position (GRCh38, 1-based): chr16:2,060,756, G>A. VCF-style: chr16-2060756-G-A. GRCh37 (hg19) VCF-style: chr16-2110757-G-A.
Other names: c.1062G>A, p.Gln354= (NM_001077183.3, NM_001114382.3, NM_001363528.2 and 3 more transcripts); c.951G>A, p.Gln317= (NM_001318827.2); c.915G>A, p.Gln305= (NM_001318829.2); c.462G>A, p.Gln154= (NM_001318831.2); c.1095G>A, p.Gln365= (NM_001318832.2).
Identifiers: ClinVar variation 758973 (VCV000758973.11), dbSNP rs771943476, ClinGen allele CA492960988.

ClinVar aggregate classification (germline): Benign/Likely benign. Review status: criteria provided, multiple submitters, no conflicts (2 of 4 stars). 3 submissions from 3 submitters: Benign (1); Likely benign (2). Last evaluated 2025-10-26.

Conditions:
Tuberous sclerosis 2 (TSC2). Identifiers: Orphanet 805, MedGen C1860707, MONDO:0013199, OMIM 613254.
Hereditary cancer-predisposing syndrome. Also called: Tumor predisposition; Hereditary Cancer Syndrome; Neoplastic Syndromes, Hereditary; Hereditary neoplastic syndrome. Identifiers: Orphanet 140162, MedGen C0027672, MeSH D009386, MONDO:0015356.

Submissions (3):

Labcorp Genetics (formerly Invitae), Labcorp
Classification: Likely benign for Tuberous sclerosis 2. Last evaluated: 2025-10-26. Review status: criteria provided, single submitter. Criteria: Invitae Variant Classification Sherloc (09022015). Collection method: clinical testing. Allele origin: germline.

Myriad Genetics, Inc.
Classification: Benign for Tuberous sclerosis 2. Last evaluated: 2025-05-13. Review status: criteria provided, single submitter. Criteria: Myriad Autosomal Dominant, Autosomal Recessive and X-Linked Classification Criteria (2023). Collection method: clinical testing. Allele origin: unknown.
Comment: This variant is considered benign. This variant is a silent/synonymous amino acid change and it is not expected to impact splicing.

Ambry Genetics
Classification: Likely benign for Hereditary cancer-predisposing syndrome. Last evaluated: 2023-09-13. Review status: criteria provided, single submitter. Criteria: Ambry Variant Classification Scheme 2023. Collection method: clinical testing. Allele origin: germline.